The following is an entry in ClinVar:

NM_018248.3(NEIL3):c.1039+45G>A

Genes: NEIL3 (nei like DNA glycosylase 3; plus strand), NEIL3-AS1 (NEIL3 antisense RNA 1; minus strand). Cytogenetic location: 4q34.3.
Variant type: single nucleotide variant.
Coding change: c.1039+45G>A on transcript NM_018248.3 (MANE Select); 45 bases into the intron after coding-DNA position 1039, G replaced by A.
Molecular consequence: intron variant.
Genome position (GRCh38, 1-based): chr4:177,351,594, G>A. VCF-style: chr4-177351594-G-A. GRCh37 (hg19) VCF-style: chr4-178272748-G-A.
Identifiers: ClinVar variation 2688408 (VCV002688408.2), dbSNP rs1054753, ClinGen allele CA3146465.
Genomic context (GRCh38, chr4:177,351,594, plus strand): 5'-ACCTCAAGGCCTATTGGTAAGACTGAATTTTGATTTTGAGTTTGTTACATTTCTAAGAGG[G>A]TTAATTATACAAAGTCAGGAATATATCTTGCTCCATCTTGATATTCCATAACTAAATAAA-3'

ClinVar aggregate classification (germline): Benign (1 of 4 stars; one submission).

Allele frequency attached by ClinVar (database versions not stated): 1000 Genomes Project 30x 0.22470; 1000 Genomes Project 0.22564; TOPMed 0.34127; gnomAD 0.35637; ExAC 0.37398; ESP Exome Variant Server 0.37944; gnomAD exomes 0.43565.
gnomAD v4.1: 612,946 of 1,436,278 alleles (43%); highest among the groups gnomAD compares: Middle Eastern, 50%; 140,670 homozygotes.

Submission:

Unidad de Genómica Garrahan, Hospital de Pediatría Garrahan
Classification: Benign. Last evaluated: 2024-01-24. Review status: criteria provided, single submitter. Criteria: ACMG Guidelines, 2015. Collection method: clinical testing. Allele origin: germline. Affected: no. Observed: 47 variant alleles.
Comment: This variant is classified as Benign based on local population frequency. This variant was detected in 53% of patients studied by a panel of primary immunodeficiencies. Number of patients: 47. Only high quality variants are reported.